The following is an entry in ClinVar:

ClinVar aggregate classification (germline): Benign (1 of 4 stars; one submission).

Conditions:
Cutis laxa with osteodystrophy (ARCL2A). Also called: Debré-Type Cutis Laxa; CUTIS LAXA WITH CONGENITAL DISORDER OF GLYCOSYLATION; CUTIS LAXA, AUTOSOMAL RECESSIVE, TYPE IIA; CUTIS LAXA WITH BONE DYSTROPHY; CUTIS LAXA WITH GROWTH AND DEVELOPMENTAL DELAY; CUTIS LAXA WITH JOINT LAXITY AND RETARDED DEVELOPMENT. Identifiers: Orphanet 357058, MedGen C0268355, MONDO:0018163, OMIM 219200. Disease mechanism: loss of function.

Allele frequency attached by ClinVar (database versions not stated): gnomAD 0.00622 and 0.00671; 1000 Genomes Project 30x 0.00937; 1000 Genomes Project 0.00879; TOPMed 0.00888.

Submission:

Illumina Laboratory Services, Illumina
Classification: Benign for Cutis laxa with osteodystrophy. Last evaluated: 2018-01-13. Review status: criteria provided, single submitter. Criteria: ICSL Variant Classification Criteria 13 December 2019. Collection method: clinical testing. Allele origin: germline.
Comment: This variant was observed in the ICSL laboratory as part of a predisposition screen in an ostensibly healthy population. It had not been previously curated by ICSL or reported in the Human Gene Mutation Database (HGMD: prior to June 1st, 2018), and was therefore a candidate for classification through an automated scoring system. Utilizing variant allele frequency, disease prevalence and penetrance estimates, and inheritance mode, an automated score was calculated to assess if this variant is too frequent to cause the disease. Based on the score and internal cut-off values, a variant classified as benign is not then subjected to further curation. The score for this variant resulted in a classification of benign for this disease.

NM_012463.4(ATP6V0A2):c.*3000G>A

Gene: ATP6V0A2 (ATPase H+ transporting V0 subunit a2; plus strand). Cytogenetic location: 12q24.31.
Variant type: single nucleotide variant.
Coding change: c.*3000G>A on transcript NM_012463.4 (MANE Select); 3000 bases downstream of the stop codon, G replaced by A.
Molecular consequence: 3 prime UTR variant.
Genome position (GRCh38, 1-based): chr12:123,761,032, G>A. VCF-style: chr12-123761032-G-A. GRCh37 (hg19) VCF-style: chr12-124245579-G-A.
Identifiers: ClinVar variation 307635 (VCV000307635.5), dbSNP rs183891010, ClinGen allele CA10636778.